The following is an entry in ClinVar:

ClinVar aggregate classification (germline): Uncertain significance (1 of 4 stars; one submission).

Conditions:
Distal hereditary motor neuropathy type 2. Identifiers: Orphanet 139525, MedGen C3711384, MeSH C580044, MONDO:0015352.

Submission:

Labcorp Genetics (formerly Invitae), Labcorp
Classification: Uncertain significance for Distal hereditary motor neuropathy type 2. Last evaluated: 2022-07-06. Review status: criteria provided, single submitter. Criteria: Invitae Variant Classification Sherloc (09022015). Collection method: clinical testing. Allele origin: germline.
Comment: In summary, the available evidence is currently insufficient to determine the role of this variant in disease. Therefore, it has been classified as a Variant of Uncertain Significance. Algorithms developed to predict the effect of missense changes on protein structure and function are either unavailable or do not agree on the potential impact of this missense change (SIFT: "Deleterious"; PolyPhen-2: "Probably Damaging"; Align-GVGD: "Class C0"). This variant has not been reported in the literature in individuals affected with FBXO38-related conditions. This variant is not present in population databases (gnomAD no frequency). This sequence change replaces threonine, which is neutral and polar, with isoleucine, which is neutral and non-polar, at codon 936 of the FBXO38 protein (p.Thr936Ile).

NM_205836.3(FBXO38):c.3032C>T (p.Thr1011Ile)

Gene: FBXO38 (F-box protein 38; plus strand). Cytogenetic location: 5q32.
Variant type: single nucleotide variant.
Coding change: c.3032C>T on transcript NM_205836.3 (MANE Select); coding-DNA position 3032, C replaced by T.
Protein change: p.Thr1011Ile; replaces threonine 1011 with isoleucine.
Molecular consequence: missense variant.
Genome position (GRCh38, 1-based): chr5:148,439,654, C>T. VCF-style: chr5-148439654-C-T. GRCh37 (hg19) VCF-style: chr5-147819217-C-T.
Other names: c.2297C>T, p.Thr766Ile (NM_001271723.2); c.2807C>T, p.Thr936Ile (NM_030793.5); short protein forms T766I, T1011I, T936I.
Identifiers: ClinVar variation 2014603 (VCV002014603.4), dbSNP rs1754559223, ClinGen allele CA361660671.